The following is an entry in ClinVar:

ClinVar aggregate classification (germline): Likely pathogenic (1 of 4 stars; one submission).

Submission:

Labcorp Genetics (formerly Invitae), Labcorp
Classification: Likely pathogenic. Last evaluated: 2023-10-25. Review status: criteria provided, single submitter. Criteria: Invitae Variant Classification Sherloc (09022015). Collection method: clinical testing. Allele origin: germline.
Comment: This sequence change affects a splice site in intron 41 of the COL4A3 gene. It is expected to disrupt RNA splicing. Variants that disrupt the donor or acceptor splice site typically lead to a loss of protein function (PMID: 16199547), and loss-of-function variants in COL4A3 are known to be pathogenic (PMID: 8956999, 24854265, 26809805, 27281700). This variant is not present in population databases (gnomAD no frequency). Disruption of this splice site has been observed in individual(s) with Alport syndrome (PMID: 11134255). Algorithms developed to predict the effect of sequence changes on RNA splicing suggest that this variant may disrupt the consensus splice site. In summary, the currently available evidence indicates that the variant is pathogenic, but additional data are needed to prove that conclusively. Therefore, this variant has been classified as Likely Pathogenic.

Literature cited by the submitters: PubMed 16199547; PubMed 8956999; PubMed 24854265; PubMed 26809805; PubMed 27281700; PubMed 11134255.

NM_000091.5(COL4A3):c.3565+1del

Genes: COL4A3 (collagen type IV alpha 3 chain; plus strand), MFF-DT (MFF divergent transcript; minus strand). Cytogenetic location: 2q36.3.
Variant type: Deletion.
Coding change: c.3565+1del on transcript NM_000091.5 (MANE Select); the canonical splice donor site of the intron after coding-DNA position 3565, one base deleted (G; older notation c.3565+1delG).
Molecular consequence: splice donor variant.
Genome position (GRCh38, 1-based): chr2:227,295,317, G deleted; the last of 2 consecutive G bases (chr2:227,295,316-227,295,317); deleting either gives the same sequence. VCF-style (leftmost placement, unchanged base first): chr2-227295315-AG-A. GRCh37 (hg19) VCF-style: chr2-228160031-AG-A.
Identifiers: ClinVar variation 2734424 (VCV002734424.3), dbSNP rs2469866005, ClinGen allele CA2586971513.